The following is an entry in ClinVar:

ClinVar aggregate classification (germline): Uncertain significance. Review status: criteria provided, multiple submitters, no conflicts (2 of 4 stars). 2 submissions from 2 submitters: Uncertain significance (2). Last evaluated 2022-02-10.

Conditions:
Inborn genetic diseases. Identifiers: MedGen C0950123, MeSH D030342.
Chédiak-Higashi syndrome (CHS). Also called: Chediak-Higashi Syndrome. Identifiers: Orphanet 167, MedGen C0007965, MONDO:0008963, OMIM 214500.

Allele frequency attached by ClinVar (database versions not stated): gnomAD exomes below 0.00001; gnomAD 0.00001; TOPMed 0.00001; ExAC 0.00002; ESP Exome Variant Server 0.00008.
gnomAD v4.1: 7 of 1,613,308 alleles (0.00043%); highest among the groups gnomAD compares: Non-Finnish European, 0.00059%; no homozygotes.

Submissions (2):

Ambry Genetics
Classification: Uncertain significance for Inborn genetic diseases. Last evaluated: 2022-02-10. Review status: criteria provided, single submitter. Criteria: Ambry Variant Classification Scheme 2023. Collection method: clinical testing. Allele origin: germline.

Labcorp Genetics (formerly Invitae), Labcorp
Classification: Uncertain significance for Chédiak-Higashi syndrome. Last evaluated: 2021-11-15. Review status: criteria provided, single submitter. Criteria: Invitae Variant Classification Sherloc (09022015). Collection method: clinical testing. Allele origin: germline.
Comment: This sequence change replaces glutamine, which is neutral and polar, with arginine, which is basic and polar, at codon 1971 of the LYST protein (p.Gln1971Arg). This variant is present in population databases (rs140670050, gnomAD 0.002%). This variant has not been reported in the literature in individuals affected with LYST-related conditions. Algorithms developed to predict the effect of missense changes on protein structure and function are either unavailable or do not agree on the potential impact of this missense change (SIFT: "Tolerated"; PolyPhen-2: "Probably Damaging"; Align-GVGD: "Class C0"). In summary, the available evidence is currently insufficient to determine the role of this variant in disease. Therefore, it has been classified as a Variant of Uncertain Significance.

NM_000081.4(LYST):c.5912A>G (p.Gln1971Arg)

Gene: LYST (lysosomal trafficking regulator; minus strand). Cytogenetic location: 1q42.3.
Variant type: single nucleotide variant.
Coding change: c.5912A>G on transcript NM_000081.4 (MANE Select); coding-DNA position 5912, A replaced by G.
Protein change: p.Gln1971Arg; replaces glutamine 1971 with arginine.
Molecular consequence: missense variant.
Genome position (GRCh38, 1-based): chr1:235,770,170, T>C on the plus strand (A>G on the coding strand, the complement: LYST is on the minus strand). VCF-style: chr1-235770170-T-C. GRCh37 (hg19) VCF-style: chr1-235933470-T-C.
Other names: c.5912A>G, p.Gln1971Arg (NM_001301365.1); c.5912A>G (NM_000081.2); short protein forms Q1971R.
Identifiers: ClinVar variation 1418077 (VCV001418077.3), dbSNP rs140670050, ClinGen allele CA1466509.
Genomic context (GRCh38, chr1:235,770,170, plus strand): 5'-TTAAACAACTGTGGAATATATTTCCAAAAGTAAAGTTACATGAAAAGTACCTGCAAAACC[T>C]GACAAGTCAGTAGAAAGTGATGAACCACTTGAGCTTTCAATAACTGCTTAATATTAAACA-3'
Protein context (NP_000072.2, residues 1961-1981): QVVHHFLLTC[Gln1971Arg]VLQEYKEGQL